The following is an entry in ClinVar:

ClinVar aggregate classification (germline): Uncertain significance. Review status: criteria provided, multiple submitters, no conflicts (2 of 4 stars). 2 submissions from 2 submitters: Uncertain significance (2). Last evaluated 2024-03-29.

Conditions:
Deafness-encephaloneuropathy-obesity-valvulopathy syndrome. Identifiers: Orphanet 254898, MedGen C3553354, MONDO:0013837, OMIM 614651.

Allele frequency attached by ClinVar (database versions not stated): gnomAD 0.00001; gnomAD exomes 0.00001 and 0.00002; TOPMed 0.00001; ExAC 0.00002.
gnomAD v4.1: 18 of 1,613,804 alleles (0.0011%); highest among the groups gnomAD compares: Admixed American, 0.005%; no homozygotes.

Submissions (2):

Fulgent Genetics
Classification: Uncertain significance for Deafness-encephaloneuropathy-obesity-valvulopathy syndrome. Last evaluated: 2024-03-29. Review status: criteria provided, single submitter. Criteria: ACMG Guidelines, 2015. Collection method: clinical testing. Allele origin: germline.

GeneDx
Classification: Uncertain significance. Last evaluated: 2020-02-04. Review status: criteria provided, single submitter. Criteria: GeneDx Variant Classification Process June 2021. Collection method: clinical testing. Allele origin: germline. Affected: yes.
Comment: Not observed at a significant frequency in large population cohorts (Lek et al., 2016); In silico analysis supports that this missense variant has a deleterious effect on protein structure/function; Has not been previously published as pathogenic or benign to our knowledge

NM_014317.5(PDSS1):c.988G>A (p.Gly330Arg)

Gene: PDSS1 (decaprenyl diphosphate synthase subunit 1; plus strand). Cytogenetic location: 10p12.1.
Variant type: single nucleotide variant.
Coding change: c.988G>A on transcript NM_014317.5 (MANE Select); coding-DNA position 988, G replaced by A.
Protein change: p.Gly330Arg; replaces glycine 330 with arginine.
Molecular consequence: missense variant. On other transcripts: intron variant (1).
Genome position (GRCh38, 1-based): chr10:26,735,541, G>A. VCF-style: chr10-26735541-G-A. GRCh37 (hg19) VCF-style: chr10-27024470-G-A.
Other names: c.478G>A, p.Gly160Arg (NM_001321979.2); c.836-6956G>A (NM_001321978.2); short protein forms G160R, G330R.
Identifiers: ClinVar variation 1208457 (VCV001208457.5), dbSNP rs773085493, ClinGen allele CA5447087.